The following is an entry in ClinVar:

ClinVar aggregate classification (germline): Uncertain significance. Review status: criteria provided, multiple submitters, no conflicts (2 of 4 stars). 3 submissions from 3 submitters: Uncertain significance (3). Last evaluated 2025-04-09.

Conditions:
Inborn genetic diseases. Identifiers: MedGen C0950123, MeSH D030342.
Hereditary spastic paraplegia 39 (SPG39). Also called: Spastic Paraplegia Type 39 (SPG39); SPASTIC PARAPLEGIA 39, AUTOSOMAL RECESSIVE. Identifiers: Orphanet 139480, MedGen C2677586, MONDO:0012787, OMIM 612020.

Allele frequency attached by ClinVar (database versions not stated): gnomAD 0.00001; gnomAD exomes 0.00001; TOPMed 0.00001; ExAC 0.00002; 1000 Genomes Project 30x 0.00016; 1000 Genomes Project 0.00020.
gnomAD v4.1: 21 of 1,614,038 alleles (0.0013%); highest among the groups gnomAD compares: Middle Eastern, 0.016%; no homozygotes.

Submissions (3):

Ambry Genetics
Classification: Uncertain significance for Inborn genetic diseases. Last evaluated: 2025-04-09. Review status: criteria provided, single submitter. Criteria: Ambry Variant Classification Scheme 2023. Collection method: clinical testing. Allele origin: germline.

Labcorp Genetics (formerly Invitae), Labcorp
Classification: Uncertain significance for Hereditary spastic paraplegia 39. Last evaluated: 2022-03-31. Review status: criteria provided, single submitter. Criteria: Invitae Variant Classification Sherloc (09022015). Collection method: clinical testing. Allele origin: germline.
Comment: This variant is present in population databases (rs531445564, gnomAD 0.003%). This sequence change replaces arginine, which is basic and polar, with cysteine, which is neutral and slightly polar, at codon 776 of the PNPLA6 protein (p.Arg776Cys). This variant has not been reported in the literature in individuals affected with PNPLA6-related conditions. In summary, the available evidence is currently insufficient to determine the role of this variant in disease. Therefore, it has been classified as a Variant of Uncertain Significance. Algorithms developed to predict the effect of missense changes on protein structure and function are either unavailable or do not agree on the potential impact of this missense change (SIFT: "Tolerated"; PolyPhen-2: "Probably Damaging"; Align-GVGD: "Class C0"). ClinVar contains an entry for this variant (Variation ID: 1046157).

GeneDx
Classification: Uncertain significance. Last evaluated: 2021-02-27. Review status: criteria provided, single submitter. Criteria: GeneDx Variant Classification Process June 2021. Collection method: clinical testing. Allele origin: germline. Affected: yes.
Comment: Not observed at a significant frequency in large population cohorts (Lek et al., 2016); In silico analysis supports that this missense variant has a deleterious effect on protein structure/function; Has not been previously published as pathogenic or benign to our knowledge

NM_001166114.2(PNPLA6):c.2440C>T (p.Arg814Cys)

Gene: PNPLA6 (patatin like domain 6, lysophospholipase; plus strand). Cytogenetic location: 19p13.2.
Variant type: single nucleotide variant.
Coding change: c.2440C>T on transcript NM_001166114.2 (MANE Select); coding-DNA position 2440, C replaced by T.
Protein change: p.Arg814Cys; replaces arginine 814 with cysteine.
Molecular consequence: missense variant.
Genome position (GRCh38, 1-based): chr19:7,554,247, C>T. VCF-style: chr19-7554247-C-T. GRCh37 (hg19) VCF-style: chr19-7619133-C-T.
Other names: c.2470C>T, p.Arg824Cys (NM_001166111.2); c.2245C>T, p.Arg749Cys (NM_001166112.2); c.2326C>T, p.Arg776Cys (NM_001166113.1, NM_006702.5); short protein forms R814C, R824C, R749C, R776C.
Identifiers: ClinVar variation 1046157 (VCV001046157.11), dbSNP rs531445564, ClinGen allele CA9140105.